The following is an entry in ClinVar:

ClinVar aggregate classification (germline): Uncertain significance. Review status: criteria provided, multiple submitters, no conflicts (2 of 4 stars). 4 submissions from 4 submitters: Uncertain significance (4). Last evaluated 2025-08-21.

Conditions:
Hereditary cancer-predisposing syndrome. Also called: Tumor predisposition; Hereditary Cancer Syndrome; Neoplastic Syndromes, Hereditary; Hereditary neoplastic syndrome. Identifiers: Orphanet 140162, MedGen C0027672, MeSH D009386, MONDO:0015356.
Breast-ovarian cancer, familial, susceptibility to, 4. Identifiers: Orphanet 145, MedGen C3280345, MONDO:0013669, OMIM 614291.

Submissions (4):

Labcorp Genetics (formerly Invitae), Labcorp
Classification: Uncertain significance for Breast-ovarian cancer, familial, susceptibility to, 4. Last evaluated: 2025-08-21. Review status: criteria provided, single submitter. Criteria: Invitae Variant Classification Sherloc (09022015). Collection method: clinical testing. Allele origin: germline.
Comment: This sequence change replaces threonine, which is neutral and polar, with isoleucine, which is neutral and non-polar, at codon 303 of the RAD51D protein (p.Thr303Ile). This variant is not present in population databases (gnomAD no frequency). This variant has not been reported in the literature in individuals affected with RAD51D-related conditions. ClinVar contains an entry for this variant (Variation ID: 823000). Invitae Evidence Modeling of protein sequence and biophysical properties (such as structural, functional, and spatial information, amino acid conservation, physicochemical variation, residue mobility, and thermodynamic stability) indicates that this missense variant is not expected to disrupt RAD51D protein function with a negative predictive value of 80%. Algorithms developed to predict the effect of sequence changes on RNA splicing suggest that this variant may disrupt the consensus splice site. In summary, the available evidence is currently insufficient to determine the role of this variant in disease. Therefore, it has been classified as a Variant of Uncertain Significance.

Color Diagnostics, LLC DBA Color Health
Classification: Uncertain significance for Hereditary cancer-predisposing syndrome. Last evaluated: 2024-03-06. Review status: criteria provided, single submitter. Criteria: ACMG Guidelines, 2015. Collection method: clinical testing. Allele origin: germline.
Comment: This missense variant replaces threonine with isoleucine at codon 303 of the RAD51D protein. Computational prediction suggests that this variant may not impact protein structure and function (internally defined REVEL score threshold <= 0.5, PMID: 27666373). To our knowledge, functional studies have not been reported for this variant. This variant has not been reported in individuals affected with hereditary cancer in the literature. This variant has not been identified in the general population by the Genome Aggregation Database (gnomAD). The available evidence is insufficient to determine the role of this variant in disease conclusively. Therefore, this variant is classified as a Variant of Uncertain Significance.

Baylor Genetics
Classification: Uncertain significance for Breast-ovarian cancer, familial, susceptibility to, 4. Last evaluated: 2023-10-21. Review status: criteria provided, single submitter. Criteria: ACMG Guidelines, 2015. Collection method: clinical testing. Allele origin: unknown.

Ambry Genetics
Classification: Uncertain significance for Hereditary cancer-predisposing syndrome. Last evaluated: 2021-10-13. Review status: criteria provided, single submitter. Criteria: Ambry Variant Classification Scheme 2023. Collection method: clinical testing. Allele origin: germline.
Comment: The p.T303I variant (also known as c.908C>T), located in coding exon 10 of the RAD51D gene, results from a C to T substitution at nucleotide position 908. The threonine at codon 303 is replaced by isoleucine, an amino acid with similar properties. This amino acid position is highly conserved in available vertebrate species. In addition, this alteration is predicted to be tolerated by in silico analysis. Since supporting evidence is limited at this time, the clinical significance of this alteration remains unclear.

NM_002878.4(RAD51D):c.908C>T (p.Thr303Ile)

Genes: RAD51D (RAD51 paralog D; minus strand), RAD51L3-RFFL (RAD51L3-RFFL readthrough; minus strand). Cytogenetic location: 17q12.
Variant type: single nucleotide variant.
Coding change: c.908C>T on transcript NM_002878.4 (MANE Select); coding-DNA position 908, C replaced by T.
Protein change: p.Thr303Ile; replaces threonine 303 with isoleucine.
Molecular consequence: missense variant. On other transcripts: non-coding transcript variant (2).
Genome position (GRCh38, 1-based): chr17:35,101,032, G>A on the plus strand (C>T on the coding strand, the complement: RAD51D is on the minus strand). VCF-style: chr17-35101032-G-A. GRCh37 (hg19) VCF-style: chr17-33428051-G-A.
Other names: c.968C>T, p.Thr323Ile (NM_001142571.2); c.572C>T, p.Thr191Ile (NM_133629.3); short protein forms T323I, T191I, T303I.
Identifiers: ClinVar variation 823000 (VCV000823000.15), dbSNP rs1597855538, ClinGen allele CA399086183.